The following is an entry in ClinVar:

NM_031433.4(MFRP):c.758T>C (p.Met253Thr)

Genes: C1QTNF5 (C1q and TNF related 5; minus strand), MFRP (membrane frizzled-related protein; minus strand). Cytogenetic location: 11q23.3.
Variant type: single nucleotide variant.
Coding change: c.758T>C on transcript NM_031433.4 (MANE Select); coding-DNA position 758, T replaced by C.
Protein change: p.Met253Thr; replaces methionine 253 with threonine.
Molecular consequence: missense variant. On other transcripts: 5 prime UTR variant (1).
Genome position (GRCh38, 1-based): chr11:119,344,888, A>G on the plus strand (T>C on the coding strand, the complement: MFRP is on the minus strand). VCF-style: chr11-119344888-A-G. GRCh37 (hg19) VCF-style: chr11-119215598-A-G.
Other names: c.-1879T>C (NM_015645.5); short protein forms M253T.
Identifiers: ClinVar variation 2187711 (VCV002187711.4), dbSNP rs201890505, ClinGen allele CA6320429.

ClinVar aggregate classification (germline): Uncertain significance. Review status: criteria provided, multiple submitters, no conflicts (2 of 4 stars). 2 submissions from 2 submitters: Uncertain significance (2). Last evaluated 2024-01-30.

Conditions:
Isolated microphthalmia 5. Also called: Posterior Microphthalmia with Retinitis Pigmentosa, Foveoschisis, and Optic Disc Drusen. Identifiers: Orphanet 251279, MedGen C1970236, MONDO:0012605, OMIM 611040.
Inborn genetic diseases. Identifiers: MedGen C0950123, MeSH D030342.

Allele frequency attached by ClinVar (database versions not stated): gnomAD exomes below 0.00001; TOPMed 0.00001; ExAC 0.00001.
gnomAD v4.1: 2 of 1,613,100 alleles (0.00012%); highest among the groups gnomAD compares: Non-Finnish European, 0.00017%; no homozygotes.

Submissions (2):

Ambry Genetics
Classification: Uncertain significance for Inborn genetic diseases. Last evaluated: 2024-01-30. Review status: criteria provided, single submitter. Criteria: Ambry Variant Classification Scheme 2023. Collection method: clinical testing. Allele origin: germline.

Labcorp Genetics (formerly Invitae), Labcorp
Classification: Uncertain significance for Isolated microphthalmia 5. Last evaluated: 2023-07-03. Review status: criteria provided, single submitter. Criteria: Invitae Variant Classification Sherloc (09022015). Collection method: clinical testing. Allele origin: germline.
Comment: This sequence change replaces methionine, which is neutral and non-polar, with threonine, which is neutral and polar, at codon 253 of the MFRP protein (p.Met253Thr). This variant is present in population databases (rs201890505, gnomAD 0.002%). This variant has not been reported in the literature in individuals affected with MFRP-related conditions. ClinVar contains an entry for this variant (Variation ID: 2187711). Advanced modeling of protein sequence and biophysical properties (such as structural, functional, and spatial information, amino acid conservation, physicochemical variation, residue mobility, and thermodynamic stability) performed at Invitae indicates that this missense variant is not expected to disrupt MFRP protein function. In summary, the available evidence is currently insufficient to determine the role of this variant in disease. Therefore, it has been classified as a Variant of Uncertain Significance.